The following is an entry in ClinVar:

ClinVar aggregate classification (germline): Uncertain significance. Review status: criteria provided, multiple submitters, no conflicts (2 of 4 stars). 3 submissions from 3 submitters: Uncertain significance (3). Last evaluated 2025-11-29.

Conditions:
Hereditary cancer-predisposing syndrome. Also called: Hereditary neoplastic syndrome; Tumor predisposition; Neoplastic Syndromes, Hereditary; Hereditary Cancer Syndrome. Identifiers: Orphanet 140162, MedGen C0027672, MeSH D009386, MONDO:0015356.

Allele frequency attached by ClinVar (database versions not stated): gnomAD exomes below 0.00001; TOPMed below 0.00001; gnomAD 0.00001.
gnomAD v4.1: 7 of 1,614,092 alleles (0.00043%); highest among the groups gnomAD compares: Non-Finnish European, 0.00051%; no homozygotes.

Submissions (3):

Ambry Genetics
Classification: Uncertain significance for Hereditary cancer-predisposing syndrome. Last evaluated: 2025-11-29. Review status: criteria provided, single submitter. Criteria: Ambry Variant Classification Scheme 2023. Collection method: clinical testing. Allele origin: germline.
Comment: The p.V888M variant (also known as c.2662G>A), located in coding exon 23 of the POLE gene, results from a G to A substitution at nucleotide position 2662. The valine at codon 888 is replaced by methionine, an amino acid with highly similar properties. This amino acid position is conserved. In addition, this alteration is predicted to be tolerated by in silico analysis. Since supporting evidence is limited at this time, the clinical significance of this alteration remains unclear.

Center for Genomic Medicine, Rigshospitalet, Copenhagen University Hospital
Classification: Uncertain significance. Last evaluated: 2025-03-04. Review status: criteria provided, single submitter. Criteria: ACMG Guidelines, 2015. Collection method: clinical testing. Allele origin: germline.

Labcorp Genetics (formerly Invitae), Labcorp
Classification: Uncertain significance. Last evaluated: 2024-07-08. Review status: criteria provided, single submitter. Criteria: Invitae Variant Classification Sherloc (09022015). Collection method: clinical testing. Allele origin: germline.
Comment: This sequence change replaces valine, which is neutral and non-polar, with methionine, which is neutral and non-polar, at codon 888 of the POLE protein (p.Val888Met). This variant is present in population databases (no rsID available, gnomAD 0.0009%). This variant has not been reported in the literature in individuals affected with POLE-related conditions. ClinVar contains an entry for this variant (Variation ID: 656123). Advanced modeling of protein sequence and biophysical properties (such as structural, functional, and spatial information, amino acid conservation, physicochemical variation, residue mobility, and thermodynamic stability) performed at Invitae indicates that this missense variant is not expected to disrupt POLE protein function with a negative predictive value of 80%. In summary, the available evidence is currently insufficient to determine the role of this variant in disease. Therefore, it has been classified as a Variant of Uncertain Significance.

NM_006231.4(POLE):c.2662G>A (p.Val888Met)

Gene: POLE (DNA polymerase epsilon, catalytic subunit; minus strand). Cytogenetic location: 12q24.33.
Variant type: single nucleotide variant.
Coding change: c.2662G>A on transcript NM_006231.4 (MANE Select); coding-DNA position 2662, G replaced by A.
Protein change: p.Val888Met; replaces valine 888 with methionine.
Molecular consequence: missense variant.
Genome position (GRCh38, 1-based): chr12:132,664,048, C>T on the plus strand (G>A on the coding strand, the complement: POLE is on the minus strand). VCF-style: chr12-132664048-C-T. GRCh37 (hg19) VCF-style: chr12-133240634-C-T.
Other names: c.2662G>A (NM_006231.2); short protein forms V888M.
Identifiers: ClinVar variation 656123 (VCV000656123.14), dbSNP rs1314058108, ClinGen allele CA387395314.
Genomic context (GRCh38, chr12:132,664,048, plus strand): 5'-GAGGCCCCAGACTCACCTTGACCATGATGTTCAACATGGCGCCTGGGTAGGAGATGGTCA[C>T]TTTGGGCTTCTTCACATTGGTCGTCTTGAAGACAAAATTTTCTGGGAAGCTGTTGGGCAG-3'
Protein context (NP_006222.2, residues 878-898): FKTTNVKKPK[Val888Met]TISYPGAMLN